The following is an entry in ClinVar:

NM_001367624.2(ZNF469):c.10185G>C (p.Glu3395Asp)

Gene: ZNF469 (zinc finger protein 469; plus strand). Cytogenetic location: 16q24.2.
Variant type: single nucleotide variant.
Coding change: c.10185G>C on transcript NM_001367624.2 (MANE Select); coding-DNA position 10185, G replaced by C.
Protein change: p.Glu3395Asp; replaces glutamic acid 3395 with aspartic acid.
Molecular consequence: missense variant.
Genome position (GRCh38, 1-based): chr16:88,437,655, G>C. VCF-style: chr16-88437655-G-C. GRCh37 (hg19) VCF-style: chr16-88504063-G-C.
Other names: NM_001127464.1:c.10101G>C; NM_001127464.2:c.10101G>C; short protein forms E3395D.
Identifiers: ClinVar variation 1190981 (VCV001190981.14), dbSNP rs149732077, ClinGen allele CA8225479.

ClinVar aggregate classification (germline): Uncertain significance. Review status: criteria provided, multiple submitters, no conflicts (2 of 4 stars). 4 submissions from 4 submitters: Uncertain significance (4). Last evaluated 2026-03-04.

Conditions:
Cardiovascular phenotype. Identifiers: MedGen CN230736.
Ehlers-Danlos syndrome (EDS). Identifiers: Orphanet 98249, MedGen C0013720, MONDO:0020066.

Allele frequency attached by ClinVar (database versions not stated): gnomAD 0.00009 and 0.00010; 1000 Genomes Project 30x 0.00016; gnomAD exomes 0.00006; TOPMed 0.00008; ExAC 0.00009; 1000 Genomes Project 0.00020.
gnomAD v4.1: 130 of 1,545,822 alleles (0.0084%); highest among the groups gnomAD compares: Non-Finnish European, 0.011%; no homozygotes.

Submissions (4):

Women's Health and Genetics/Laboratory Corporation of America, LabCorp
Classification: Uncertain significance. Last evaluated: 2026-03-04. Review status: criteria provided, single submitter. Criteria: LabCorp Variant Classification Summary - May 2015. Collection method: clinical testing. Allele origin: germline.
Comment: Variant summary: ZNF469 c.10185G>C (p.Glu3395Asp) results in a conservative amino acid change in the encoded protein sequence. Algorithms developed to predict the effect of missense changes on protein structure and function all suggest that this variant is likely to be tolerated. The variant allele was found at a frequency of 6.3e-05 in 143576 control chromosomes, predominantly at a frequency of 0.00017 within the Non-Finnish European subpopulation in the gnomAD database. The available data on variant occurrences in the general population are insufficient to allow any conclusion about variant significance. To our knowledge, no occurrence of c.10185G>C in individuals affected with ZNF469-related conditions and no experimental evidence demonstrating its impact on protein function have been reported. ClinVar contains an entry for this variant (Variation ID: 1190981). Based on the evidence outlined above, the variant was classified as uncertain significance.

GeneDx
Classification: Uncertain significance. Last evaluated: 2025-07-28. Review status: criteria provided, single submitter. Criteria: GeneDx Variant Classification Process June 2021. Collection method: clinical testing. Allele origin: germline. Affected: yes.
Comment: Has not been previously published as pathogenic or benign to our knowledge; In silico analysis suggests that this missense variant does not alter protein structure/function

Ambry Genetics
Classification: Uncertain significance for Cardiovascular phenotype. Last evaluated: 2023-08-21. Review status: criteria provided, single submitter. Criteria: Ambry Variant Classification Scheme 2023. Collection method: clinical testing. Allele origin: germline.
Comment: The p.E3367D variant (also known as c.10101G>C), located in coding exon 2 of the ZNF469 gene, results from a G to C substitution at nucleotide position 10101. The glutamic acid at codon 3367 is replaced by aspartic acid, an amino acid with highly similar properties. This amino acid position is conserved. In addition, this alteration is predicted to be tolerated by in silico analysis. Since supporting evidence is limited at this time, the clinical significance of this alteration remains unclear.

Genome Diagnostics Laboratory, The Hospital for Sick Children
Classification: Uncertain significance for Ehlers-Danlos syndrome. Last evaluated: 2020-04-01. Review status: criteria provided, single submitter. Criteria: ACMG Guidelines, 2015. Collection method: clinical testing. Allele origin: germline.